The following is an entry in ClinVar:

NM_000051.4(ATM):c.1802G>A (p.Ser601Asn)

Gene: ATM (ATM serine/threonine kinase; plus strand). Cytogenetic location: 11q22.3.
Variant type: single nucleotide variant.
Coding change: c.1802G>A on transcript NM_000051.4 (MANE Select); coding-DNA position 1802, G replaced by A.
Protein change: p.Ser601Asn; replaces serine 601 with asparagine.
Molecular consequence: missense variant.
Genome position (GRCh38, 1-based): chr11:108,252,031, G>A. VCF-style: chr11-108252031-G-A. GRCh37 (hg19) VCF-style: chr11-108122758-G-A.
Other names: c.1802G>A, p.Ser601Asn (NM_001351834.2); short protein forms S601N.
Identifiers: ClinVar variation 863151 (VCV000863151.6), dbSNP rs763402339, ClinGen allele CA6264869.

ClinVar aggregate classification (germline): Uncertain significance. Review status: criteria provided, multiple submitters, no conflicts (2 of 4 stars). 2 submissions from 2 submitters: Uncertain significance (2). Last evaluated 2024-02-01.

Conditions:
Ataxia-telangiectasia syndrome (AT). Also called: LOUIS-BAR SYNDROME; Ataxia telangiectasia (A-T); Ataxia-telangiectasia, complementation group D; Cerebello-oculocutaneous telangiectasia; Immunodeficiency with ataxia telangiectasia; Ataxia-telangiectasia. Identifiers: Orphanet 100, MedGen C0004135, MONDO:0008840, OMIM 208900.
Hereditary cancer-predisposing syndrome. Also called: Tumor predisposition; Hereditary Cancer Syndrome; Neoplastic Syndromes, Hereditary; Hereditary neoplastic syndrome. Identifiers: Orphanet 140162, MedGen C0027672, MeSH D009386, MONDO:0015356.

Allele frequency attached by ClinVar (database versions not stated): ExAC 0.00001.

Submissions (2):

Ambry Genetics
Classification: Uncertain significance for Hereditary cancer-predisposing syndrome. Last evaluated: 2024-02-01. Review status: criteria provided, single submitter. Criteria: Ambry Variant Classification Scheme 2023. Collection method: clinical testing. Allele origin: germline.
Comment: The c.1802G>A variant (also known as p.S601N), located in coding exon 10 of the ATM gene, results from a G to A substitution at nucleotide position 1802. The amino acid change results in serine to asparagine at codon 601, an amino acid with highly similar properties. However, this change occurs in the last base pair of coding exon 10, which makes it likely to have some effect on normal mRNA splicing. This nucleotide position is highly conserved in available vertebrate species. In silico splice site analysis predicts that this alteration will weaken the native splice donor site; however, direct evidence is insufficient at this time (Ambry internal data). This amino acid position is well conserved in available vertebrate species. In addition, this alteration is predicted to be tolerated by in silico protein analysis. Based on the available evidence, the clinical significance of this alteration remains unclear.

Labcorp Genetics (formerly Invitae), Labcorp
Classification: Uncertain significance for Ataxia-telangiectasia syndrome. Last evaluated: 2022-11-01. Review status: criteria provided, single submitter. Criteria: Invitae Variant Classification Sherloc (09022015). Collection method: clinical testing. Allele origin: germline.
Comment: This sequence change replaces serine, which is neutral and polar, with asparagine, which is neutral and polar, at codon 601 of the ATM protein (p.Ser601Asn). This variant also falls at the last nucleotide of exon 11, which is part of the consensus splice site for this exon. This variant is present in population databases (rs763402339, gnomAD 0.006%). This variant has not been reported in the literature in individuals affected with ATM-related conditions. ClinVar contains an entry for this variant (Variation ID: 863151). Algorithms developed to predict the effect of missense changes on protein structure and function are either unavailable or do not agree on the potential impact of this missense change (SIFT: "Tolerated"; PolyPhen-2: "Possibly Damaging"; Align-GVGD: "Class C0"). Variants that disrupt the consensus splice site are a relatively common cause of aberrant splicing (PMID: 17576681, 9536098). Algorithms developed to predict the effect of sequence changes on RNA splicing suggest that this variant may disrupt the consensus splice site. In summary, the available evidence is currently insufficient to determine the role of this variant in disease. Therefore, it has been classified as a Variant of Uncertain Significance.

Literature cited by the submitters: PubMed 17576681 (cited by Labcorp Genetics (formerly Invitae), Labcorp); PubMed 9536098 (cited by Labcorp Genetics (formerly Invitae), Labcorp).